The following is an entry in ClinVar:

NM_012330.4(KAT6B):c.5594_5601dup (p.Val1868fs)

Gene: KAT6B (lysine acetyltransferase 6B; plus strand). Cytogenetic location: 10q22.2.
Variant type: Duplication.
Coding change: c.5594_5601dup on transcript NM_012330.4 (MANE Select); coding-DNA positions 5594 to 5601, 8 bases duplicated (CACACTCC; older notation c.5594_5601dupCACACTCC).
Protein change: p.Val1868fs; shifts the reading frame from valine 1868.
Molecular consequence: frameshift variant.
Genome position (GRCh38, 1-based): chr10:75,030,418-75,030,425, CACACTCC duplicated; duplicating any 8 consecutive bases within chr10:75,030,417-75,030,425 gives the same sequence; the c. name uses the placement nearest the transcript's 3' end. VCF-style (leftmost placement, unchanged base first): chr10-75030416-T-TCCACACTC. GRCh37 (hg19) VCF-style: chr10-76790174-T-TCCACACTC.
Other names: c.5045_5052dup, p.Val1685fs (NM_001256468.2, NM_001370138.1); c.4718_4725dup, p.Val1576fs (NM_001256469.2, NM_001370139.1, NM_001370140.1 and 2 more transcripts); c.4556_4563dup, p.Val1522fs (NM_001370132.1); c.3905_3912dup, p.Val1305fs (NM_001370133.1); c.3509_3516dup, p.Val1173fs (NM_001370134.1); c.3251_3258dup, p.Val1087fs (NM_001370135.1); c.5594_5601dup, p.Val1868fs (NM_001370136.1, NM_001370137.1); c.4529_4536dup, p.Val1513fs (NM_001370143.1, NM_001370144.1); and 1 more; short protein forms V1173fs, V1522fs, V1305fs, V1576fs, V1868fs, V1087fs, V1513fs, V1685fs.
Identifiers: ClinVar variation 504091 (VCV000504091.2), dbSNP rs1554846499, ClinGen allele CA658797449.

ClinVar aggregate classification (germline): Likely pathogenic (1 of 4 stars; one submission).

Submission:

GeneDx
Classification: Likely pathogenic. Last evaluated: 2018-01-18. Review status: criteria provided, single submitter. Criteria: GeneDx Variant Classification (06012015). Collection method: clinical testing. Allele origin: germline. Affected: yes.
Comment: The c.5594_5601dupCACACTCC variant has not been published as a pathogenic variant, nor has it been reported as a benign variant to our knowledge. The c.5594_5601dupCACACTCC variant causes a frameshift starting with codon Valine 1868, changes this amino acid to a Histidine residue, and creates a premature Stop codon at position 14 of the new reading frame, denoted p.Val1868HisfsX14. This variant is predicted to cause loss of normal protein function through protein truncation, as the last 206 amino acids are replaced with 13 incorrect amino acids. Furthermore, the c.5594_5601dupCACACTCC variant is not observed in large population cohorts (Lek et al., 2016). Therefore, this variant is likely pathogenic.